The following is an entry in ClinVar:

ClinVar aggregate classification (germline): Uncertain significance (1 of 4 stars; one submission).

Submission:

Labcorp Genetics (formerly Invitae), Labcorp
Classification: Uncertain significance. Last evaluated: 2023-08-04. Review status: criteria provided, single submitter. Criteria: Invitae Variant Classification Sherloc (09022015). Collection method: clinical testing. Allele origin: germline.
Comment: This sequence change replaces serine, which is neutral and polar, with glycine, which is neutral and non-polar, at codon 486 of the COL9A3 protein (p.Ser486Gly). In summary, the available evidence is currently insufficient to determine the role of this variant in disease. Therefore, it has been classified as a Variant of Uncertain Significance. Advanced modeling of protein sequence and biophysical properties (such as structural, functional, and spatial information, amino acid conservation, physicochemical variation, residue mobility, and thermodynamic stability) performed at Invitae indicates that this missense variant is not expected to disrupt COL9A3 protein function. This variant has not been reported in the literature in individuals affected with COL9A3-related conditions. This variant is present in population databases (no rsID available, gnomAD 0.006%).

NM_001853.4(COL9A3):c.1456A>G (p.Ser486Gly)

Genes: COL9A3 (collagen type IX alpha 3 chain; plus strand), LOC126863084 (MED14-independent group 3 enhancer GRCh37_chr20:61467141-61468340; plus strand). Cytogenetic location: 20q13.33.
Variant type: single nucleotide variant.
Coding change: c.1456A>G on transcript NM_001853.4 (MANE Select); coding-DNA position 1456, A replaced by G.
Protein change: p.Ser486Gly; replaces serine 486 with glycine.
Molecular consequence: missense variant.
Genome position (GRCh38, 1-based): chr20:62,836,241, A>G. VCF-style: chr20-62836241-A-G. GRCh37 (hg19) VCF-style: chr20-61467593-A-G.
Other names: short protein forms S486G.
Identifiers: ClinVar variation 2841614 (VCV002841614.3), dbSNP rs1241426661, ClinGen allele CA409597119.
Genomic context (GRCh38, chr20:62,836,241, plus strand): 5'-CTGCAGTCTGGCAGTCGAGGGGAGCTGGGCCCCAAAGGCACCCAGGGTCCCAACGGCACC[A>G]GCGGTGTTCAGGGTGTCCCCGGGCCCCCCGGTCCTCTGGGCCTGCAGGGCGTCCCGGGTG-3'
Protein context (NP_001844.3, residues 476-496): PKGTQGPNGT[Ser486Gly]GVQGVPGPPG